The following is an entry in ClinVar:

NM_031407.7(HUWE1):c.5669A>T (p.Asn1890Ile)

Gene: HUWE1 (HECT, UBA and WWE domain containing E3 ubiquitin protein ligase 1; minus strand). Cytogenetic location: Xp11.22.
Variant type: single nucleotide variant.
Coding change: c.5669A>T on transcript NM_031407.7 (MANE Select); coding-DNA position 5669, A replaced by T.
Protein change: p.Asn1890Ile; replaces asparagine 1890 with isoleucine.
Molecular consequence: missense variant.
Genome position (GRCh38, 1-based): chrX:53,580,878, T>A on the plus strand (A>T on the coding strand, the complement: HUWE1 is on the minus strand). VCF-style: chrX-53580878-T-A. GRCh37 (hg19) VCF-style: chrX-53607838-T-A.
Other names: short protein forms N1890I.
Identifiers: ClinVar variation 1059910 (VCV001059910.9), dbSNP rs2063584045, ClinGen allele CA413173074.

ClinVar aggregate classification (germline): Uncertain significance (1 of 4 stars; one submission).

Submission:

Labcorp Genetics (formerly Invitae), Labcorp
Classification: Uncertain significance. Last evaluated: 2020-03-23. Review status: criteria provided, single submitter. Criteria: Invitae Variant Classification Sherloc (09022015). Collection method: clinical testing. Allele origin: germline.
Comment: This sequence change replaces asparagine with isoleucine at codon 1890 of the HUWE1 protein (p.Asn1890Ile). The asparagine residue is moderately conserved and there is a large physicochemical difference between asparagine and isoleucine. In summary, the available evidence is currently insufficient to determine the role of this variant in disease. Therefore, it has been classified as a Variant of Uncertain Significance. Algorithms developed to predict the effect of missense changes on protein structure and function are either unavailable or do not agree on the potential impact of this missense change (SIFT: "Deleterious"; PolyPhen-2: "Possibly Damaging"; Align-GVGD: "Class C0"). This variant has not been reported in the literature in individuals with HUWE1-related conditions. This variant is not present in population databases (ExAC no frequency).